The following is an entry in ClinVar:

ClinVar aggregate classification (germline): Uncertain significance. Review status: criteria provided, multiple submitters, no conflicts (2 of 4 stars). 2 submissions from 2 submitters: Uncertain significance (2). Last evaluated 2026-03-23.

Conditions:
TNC-related disorder. Also called: TNC-related condition.

gnomAD v4.1: 9 of 1,614,120 alleles (0.00056%); highest among the groups gnomAD compares: African/African-American, 0.0053%; no homozygotes.

Submissions (2):

PreventionGenetics, part of Exact Sciences
Classification: Uncertain significance for TNC-related condition. Last evaluated: 2026-03-23. Review status: criteria provided, single submitter. Criteria: ACMG Guidelines, 2015. Collection method: clinical testing. Allele origin: germline.
Comment: The TNC c.2524G>A variant is predicted to result in the amino acid substitution p.Val842Met. To our knowledge, this variant has not been reported in the literature. This variant is reported in 0.0033% of alleles in individuals of South Asian descent in gnomAD. At this time, the clinical significance of this variant is uncertain due to the absence of conclusive functional and genetic evidence.

Blueprint Genetics
Classification: Uncertain significance. Last evaluated: 2022-02-01. Review status: criteria provided, single submitter. Criteria: ACMG Guidelines, 2015. Collection method: clinical testing. Allele origin: germline.

NM_002160.4(TNC):c.2524G>A (p.Val842Met)

Gene: TNC (tenascin C; minus strand). Cytogenetic location: 9q33.1.
Variant type: single nucleotide variant.
Coding change: c.2524G>A on transcript NM_002160.4 (MANE Select); coding-DNA position 2524, G replaced by A.
Protein change: p.Val842Met; replaces valine 842 with methionine.
Molecular consequence: missense variant.
Genome position (GRCh38, 1-based): chr9:115,078,093, C>T on the plus strand (G>A on the coding strand, the complement: TNC is on the minus strand). VCF-style: chr9-115078093-C-T. GRCh37 (hg19) VCF-style: chr9-117840372-C-T.
Other names: c.2524G>A (NM_002160.3); c.2524G>A, p.Val842Met (NM_001439076.1, NM_001439077.1, NM_001439078.1 and 35 more transcripts); short protein forms V842M.
Identifiers: ClinVar variation 4904293 (VCV004904293.2).